The following is an entry in ClinVar:

NM_007294.4(BRCA1):c.4991T>G (p.Leu1664Arg)

Gene: BRCA1 (BRCA1 DNA repair associated; minus strand). Cytogenetic location: 17q21.31.
Variant type: single nucleotide variant.
Coding change: c.4991T>G on transcript NM_007294.4 (MANE Select); coding-DNA position 4991, T replaced by G.
Protein change: p.Leu1664Arg; replaces leucine 1664 with arginine.
Molecular consequence: missense variant. On other transcripts: non-coding transcript variant (1).
Genome position (GRCh38, 1-based): chr17:43,067,691, A>C on the plus strand (T>G on the coding strand, the complement: BRCA1 is on the minus strand). VCF-style: chr17-43067691-A-C. GRCh37 (hg19) VCF-style: chr17-41219708-A-C.
Other names: c.4778T>G, p.Leu1593Arg (NM_001407571.1, NM_001407902.1, NM_001407904.1 and 12 more transcripts); c.5057T>G, p.Leu1686Arg (NM_001407581.1, NM_001407582.1); c.5054T>G, p.Leu1685Arg (NM_001407583.1, NM_001407585.1, NM_001407587.1 and 1 more transcripts); c.5051T>G, p.Leu1684Arg (NM_001407590.1, NM_001407591.1); c.4991T>G, p.Leu1664Arg (NM_001407593.1, NM_001407594.1, NM_001407596.1 and 8 more transcripts); c.4988T>G, p.Leu1663Arg (NM_001407610.1, NM_001407611.1, NM_001407612.1 and 17 more transcripts); c.4985T>G, p.Leu1662Arg (NM_001407630.1, NM_001407631.1, NM_001407632.1 and 14 more transcripts); c.4913T>G, p.Leu1638Arg (NM_001407653.1, NM_001407654.1, NM_001407655.1); and 70 more; short protein forms L560R, L1617R, L1664R, L1685R, L1623R, L1638R, L1663R, L433R.
Identifiers: ClinVar variation 868504 (VCV000868504.3), dbSNP rs80357314, ClinGen allele CA10591534.

Conditions:
Breast-ovarian cancer, familial, susceptibility to, 1 (BROVCA1). Also called: BRCA1 Hereditary Breast and Ovarian Cancer; OVARIAN CANCER, SUSCEPTIBILITY TO. Identifiers: Orphanet 145, MedGen C2676676, MONDO:0011450, OMIM 604370. Disease mechanism: loss of function.

Submission:

Brotman Baty Institute, University of Washington
No classification provided (evidence only). Condition: Breast-ovarian cancer, familial 1. Review status: no classification provided. Collection method: in vitro. Allele origin: not applicable. Functional consequence: functionally_normal.
ClinVar note: "not provided" was previously submitted as the classification for the variant. However, the classification appeared to be based only on an observation of functional data so it was converted to no classification on 2025-07-30.